The following is an entry in ClinVar:

NM_003334.4(UBA1):c.2077C>T (p.Arg693Cys)

Gene: UBA1 (ubiquitin like modifier activating enzyme 1; plus strand). Cytogenetic location: Xp11.3.
Variant type: single nucleotide variant.
Coding change: c.2077C>T on transcript NM_003334.4 (MANE Select); coding-DNA position 2077, C replaced by T.
Protein change: p.Arg693Cys; replaces arginine 693 with cysteine.
Molecular consequence: missense variant.
Genome position (GRCh38, 1-based): chrX:47,210,001, C>T. VCF-style: chrX-47210001-C-T. GRCh37 (hg19) VCF-style: chrX-47069400-C-T.
Other names: c.2077C>T (NM_003334.3); c.2077C>T, p.Arg693Cys (NM_153280.3); short protein forms R693C.
Identifiers: ClinVar variation 2042753 (VCV002042753.6), dbSNP rs782707398, ClinGen allele CA10396078.

ClinVar aggregate classification (germline): Uncertain significance. Review status: criteria provided, multiple submitters, no conflicts (2 of 4 stars). 3 submissions from 3 submitters: Uncertain significance (3). Last evaluated 2026-08-05.

Conditions:
Inborn genetic diseases. Identifiers: MedGen C0950123, MeSH D030342.
Infantile-onset X-linked spinal muscular atrophy. Also called: AMC, DISTAL, X-LINKED; Spinal Muscular Atrophy, X-Linked Infantile; Spinal muscular atrophy, X-linked 2; ARTHROGRYPOSIS, X-LINKED, TYPE I; SPINAL MUSCULAR ATROPHY, X-LINKED LETHAL INFANTILE. Identifiers: Orphanet 1145, MedGen C1844934, MONDO:0010532, OMIM 301830.

Allele frequency attached by ClinVar (database versions not stated): gnomAD exomes 0.00001; TOPMed 0.00001; gnomAD 0.00002; 1000 Genomes Project 0.00026; 1000 Genomes Project 30x 0.00042; ExAC 0.00002.
gnomAD v4.1: 15 of 1,210,797 alleles (0.0012%); highest among the groups gnomAD compares: African/African-American, 0.0017%; no homozygotes.

Submissions (3):

Ambry Genetics
Classification: Uncertain significance for Inborn genetic diseases. Last evaluated: 2026-08-05. Review status: criteria provided, single submitter. Criteria: Ambry Variant Classification Scheme 2023. Collection method: clinical testing. Allele origin: germline.
Comment: The c.2077C>T (p.R693C) alteration is located in exon 18 (coding exon 17) of the UBA1 gene. This alteration results from a C to T substitution at nucleotide position 2077, causing the arginine (R) at amino acid position 693 to be replaced by a cysteine (C). Based on data from gnomAD, the T allele has an overall frequency of 0.002% (3/182714) total alleles studied. The highest observed frequency was 0.008% (1/13120) of African alleles. Based on insufficient or conflicting evidence, the clinical significance of this alteration remains unclear.

GeneDx
Classification: Uncertain significance. Last evaluated: 2023-06-26. Review status: criteria provided, single submitter. Criteria: GeneDx Variant Classification Process June 2021. Collection method: clinical testing. Allele origin: germline. Affected: yes.
Comment: In silico analysis supports that this missense variant has a deleterious effect on protein structure/function; Missense variants in this gene are often considered pathogenic (HGMD); Has not been previously published as pathogenic or benign to our knowledge; This variant is associated with the following publications: (PMID: 26432019)

Labcorp Genetics (formerly Invitae), Labcorp
Classification: Uncertain significance for Infantile-onset X-linked spinal muscular atrophy. Last evaluated: 2022-07-03. Review status: criteria provided, single submitter. Criteria: Invitae Variant Classification Sherloc (09022015). Collection method: clinical testing. Allele origin: germline.
Comment: In summary, the available evidence is currently insufficient to determine the role of this variant in disease. Therefore, it has been classified as a Variant of Uncertain Significance. Algorithms developed to predict the effect of missense changes on protein structure and function are either unavailable or do not agree on the potential impact of this missense change (SIFT: "Deleterious"; PolyPhen-2: "Benign"; Align-GVGD: "Class C0"). This variant has not been reported in the literature in individuals affected with UBA1-related conditions. This variant is present in population databases (rs782707398, gnomAD 0.008%). This sequence change replaces arginine, which is basic and polar, with cysteine, which is neutral and slightly polar, at codon 693 of the UBA1 protein (p.Arg693Cys).